The following is an entry in ClinVar:

NM_000256.3(MYBPC3):c.1806del (p.Ile603fs)

Gene: MYBPC3 (myosin binding protein C3; minus strand). Cytogenetic location: 11p11.2.
Variant type: Deletion.
Coding change: c.1806del on transcript NM_000256.3 (MANE Select); coding-DNA position 1806, one base deleted (C; older notation c.1806delC).
Protein change: p.Ile603fs; shifts the reading frame from isoleucine 603.
Molecular consequence: frameshift variant.
Genome position (GRCh38, 1-based): chr11:47,341,229, G deleted on the plus strand (C on the coding strand, the reverse complement: MYBPC3 is on the minus strand); the first of 2 consecutive G bases (chr11:47,341,229-47,341,230); deleting either gives the same sequence. VCF-style (leftmost placement, unchanged base first): chr11-47341228-TG-T. GRCh37 (hg19) VCF-style: chr11-47362779-TG-T.
Other names: c.1806del, p.Ile603fs (LRG_386t1); c.1806delC (NM_000256.3); short protein forms I603fs.
Identifiers: ClinVar variation 181075 (VCV000181075.4), dbSNP rs730880648, ClinGen allele CA011196.

ClinVar aggregate classification (germline): Pathogenic/Likely pathogenic. Review status: criteria provided, multiple submitters, no conflicts (2 of 4 stars). 2 submissions from 2 submitters: Pathogenic (1); Likely pathogenic (1). Last evaluated 2021-04-16.

Conditions:
Cardiomyopathy (CMYO). Also called: Cardiomyopathies. Identifiers: Orphanet 167848, MedGen C0878544, MONDO:0004994, HP:0001638. Inheritance: Various modes of inheritance.

Submissions (2):

CHEO Genetics Diagnostic Laboratory, Children's Hospital of Eastern Ontario
Classification: Likely pathogenic for Cardiomyopathy. Last evaluated: 2021-04-16. Review status: criteria provided, single submitter. Criteria: ACMG Guidelines, 2015. Collection method: clinical testing. Allele origin: germline.

GeneDx
Classification: Pathogenic. Last evaluated: 2012-02-23. Review status: criteria provided, single submitter. Criteria: GeneDx Variant Classification (06012015). Collection method: clinical testing. Allele origin: germline. Affected: yes.
Comment: The c.1806delC variant in the MYBPC3 gene causes a shift in reading frame starting at codon Isoleucine 603, changing it to a Leucine, and creates a premature stop codon at position 60 of the new reading frame. Although this variant has not been reported previously to our knowledge, it is expected to result in an abnormal, truncated protein or in absence of protein from this allele due to mRNA decay, and therefore is interpreted to be a pathogenic variant.